The following is an entry in ClinVar:

NM_014795.4(ZEB2):c.1592A>T (p.Glu531Val)

Gene: ZEB2 (zinc finger E-box binding homeobox 2; minus strand). Cytogenetic location: 2q22.3.
Variant type: single nucleotide variant.
Coding change: c.1592A>T on transcript NM_014795.4 (MANE Select); coding-DNA position 1592, A replaced by T.
Protein change: p.Glu531Val; replaces glutamic acid 531 with valine.
Molecular consequence: missense variant.
Genome position (GRCh38, 1-based): chr2:144,399,595, T>A on the plus strand (A>T on the coding strand, the complement: ZEB2 is on the minus strand). VCF-style: chr2-144399595-T-A. GRCh37 (hg19) VCF-style: chr2-145157162-T-A.
Other names: c.1520A>T, p.Glu507Val (NM_001171653.2); short protein forms E507V, E531V.
Identifiers: ClinVar variation 2446337 (VCV002446337.4), dbSNP rs2549106648, ClinGen allele CA348710821.
Genomic context (GRCh38, chr2:144,399,595, plus strand): 5'-ATCTGTCTCCTTGAGTCAGTAGTCAAGCTCTGGAGGCAAGCTTTGGCTTCATTGACTTTT[T>A]CCAACGTATAGTCAATAATACTTTTAGTGGCACCATTATGACTCACTACCGGAAGACCGA-3'
Protein context (NP_055610.1, residues 521-541): ATKSIIDYTL[Glu531Val]KVNEAKACLQ

ClinVar aggregate classification (germline): Conflicting classifications of pathogenicity. Review status: criteria provided, conflicting classifications (1 of 4 stars). 2 submissions from 2 submitters: Uncertain significance (1); Likely benign (1). Last evaluated 2023-08-04.

Conditions:
Mowat-Wilson syndrome (MOWS). Also called: Classic Mowat-Wilson Syndrome. Identifiers: Orphanet 2152, MedGen C1856113, MONDO:0009341, OMIM 235730.

Submissions (2):

Labcorp Genetics (formerly Invitae), Labcorp
Classification: Likely benign for Mowat-Wilson syndrome. Last evaluated: 2023-08-04. Review status: criteria provided, single submitter. Criteria: Invitae Variant Classification Sherloc (09022015). Collection method: clinical testing. Allele origin: germline.

GeneDx
Classification: Uncertain significance. Last evaluated: 2022-09-27. Review status: criteria provided, single submitter. Criteria: GeneDx Variant Classification Process June 2021. Collection method: clinical testing. Allele origin: germline. Affected: yes.
Comment: Not observed at significant frequency in large population cohorts (gnomAD); In silico analysis supports that this missense variant has a deleterious effect on protein structure/function; Has not been previously published as pathogenic or benign to our knowledge